The following is an entry in ClinVar:

ClinVar aggregate classification (germline): Likely benign. Review status: criteria provided, multiple submitters, no conflicts (2 of 4 stars). 3 submissions from 3 submitters: Likely benign (3). Last evaluated 2025-01-12.

Conditions:
Primary dilated cardiomyopathy (DCM). Also called: Dilated Cardiomyopathy. Identifiers: Orphanet 217604, MedGen C0007193, MeSH D002311, MONDO:0005021, HP:0001644. Inheritance: Various modes of inheritance.

Allele frequency attached by ClinVar (database versions not stated): gnomAD exomes below 0.00001 and 0.00001; ExAC 0.00001; gnomAD 0.00005; TOPMed 0.00006.
gnomAD v4.1: 12 of 1,613,226 alleles (0.00074%); highest among the groups gnomAD compares: African/African-American, 0.016%; no homozygotes.

Submissions (3):

Labcorp Genetics (formerly Invitae), Labcorp
Classification: Likely benign for Primary dilated cardiomyopathy. Last evaluated: 2025-01-12. Review status: criteria provided, single submitter. Criteria: Invitae Variant Classification Sherloc (09022015). Collection method: clinical testing. Allele origin: germline.

GeneDx
Classification: Likely benign. Last evaluated: 2017-02-06. Review status: criteria provided, single submitter. Criteria: GeneDx Variant Classification (06012015). Collection method: clinical testing. Allele origin: germline. Affected: yes.
Comment: This variant is considered likely benign or benign based on one or more of the following criteria: it is a conservative change, it occurs at a poorly conserved position in the protein, it is predicted to be benign by multiple in silico algorithms, and/or has population frequency not consistent with disease.

Laboratory for Molecular Medicine, Mass General Brigham Personalized Medicine
Classification: Likely benign. Last evaluated: 2016-11-17. Review status: criteria provided, single submitter. Criteria: LMM Criteria. Collection method: clinical testing. Allele origin: germline. Observed: 1 variant allele.
Comment: c.2761+15C>T in intron 26 of NEBL: This variant is not expected to have clinical significance because it is not located within the splice consensus sequence. I t has been identified in 1/10392 African chromosomes by the Exome Aggregation Co nsortium (ExAC; dbSNP rs760162209).

NM_006393.3(NEBL):c.2761+15C>T

Gene: NEBL (nebulette; minus strand). Cytogenetic location: 10p12.31.
Variant type: single nucleotide variant.
Coding change: c.2761+15C>T on transcript NM_006393.3 (MANE Select); 15 bases into the intron after coding-DNA position 2761, C replaced by T.
Molecular consequence: intron variant.
Genome position (GRCh38, 1-based): chr10:20,808,495, G>A on the plus strand (C>T on the coding strand, the complement: NEBL is on the minus strand). VCF-style: chr10-20808495-G-A. GRCh37 (hg19) VCF-style: chr10-21097424-G-A.
Other names: c.421+4274C>T (NM_001377326.1, NM_001377327.1, NM_001377328.1); c.529+4274C>T (NM_213569.2, NM_001173484.2); c.622+1311C>T (NM_001377322.1); c.472+4274C>T (NM_001377324.1); c.463+4274C>T (NM_001377325.1); c.481+4274C>T (NM_001377323.1).
Identifiers: ClinVar variation 507183 (VCV000507183.8), dbSNP rs760162209, ClinGen allele CA5432342.